The following is an entry in ClinVar:

NM_022489.4(INF2):c.2662C>G (p.Gln888Glu)

Gene: INF2 (inverted formin 2; plus strand). Cytogenetic location: 14q32.33.
Variant type: single nucleotide variant.
Coding change: c.2662C>G on transcript NM_022489.4 (MANE Select); coding-DNA position 2662, C replaced by G.
Protein change: p.Gln888Glu; replaces glutamine 888 with glutamic acid.
Molecular consequence: missense variant. On other transcripts: non-coding transcript variant (1).
Genome position (GRCh38, 1-based): chr14:104,712,879, C>G. VCF-style: chr14-104712879-C-G. GRCh37 (hg19) VCF-style: chr14-105179216-C-G.
Other names: c.2662C>G, p.Gln888Glu (NM_001031714.4, NM_001426862.1, NM_001426863.1 and 2 more transcripts); short protein forms Q888E.
Identifiers: ClinVar variation 4794603 (VCV004794603.1).

ClinVar aggregate classification (germline): Uncertain significance (1 of 4 stars; one submission).

Conditions:
Focal segmental glomerulosclerosis 5 (FSGS5). Identifiers: Orphanet 656, MedGen C2750475, MONDO:0013191, OMIM 613237.
Charcot-Marie-Tooth disease dominant intermediate E. Also called: CHARCOT-MARIE-TOOTH NEUROPATHY WITH FOCAL SEGMENTAL GLOMERULONEPHRITIS. Identifiers: Orphanet 93114, MedGen C4302667, MONDO:0013758, OMIM 614455.

Submission:

Labcorp Genetics (formerly Invitae), Labcorp
Classification: Uncertain significance for Charcot-Marie-Tooth disease dominant intermediate E; Focal segmental glomerulosclerosis 5. Last evaluated: 2025-11-15. Review status: criteria provided, single submitter. Criteria: Invitae Variant Classification Sherloc (09022015). Collection method: clinical testing. Allele origin: germline.
Comment: This sequence change replaces glutamine, which is neutral and polar, with glutamic acid, which is acidic and polar, at codon 888 of the INF2 protein (p.Gln888Glu). This variant is not present in population databases (gnomAD no frequency). This variant has not been reported in the literature in individuals affected with INF2-related conditions. Invitae Evidence Modeling of protein sequence and biophysical properties (such as structural, functional, and spatial information, amino acid conservation, physicochemical variation, residue mobility, and thermodynamic stability) indicates that this missense variant is not expected to disrupt INF2 protein function with a negative predictive value of 95%. In summary, the available evidence is currently insufficient to determine the role of this variant in disease. Therefore, it has been classified as a Variant of Uncertain Significance.